The following is an entry in ClinVar:

NM_177438.3(DICER1):c.1718A>T (p.Glu573Val)

Gene: DICER1 (dicer 1, ribonuclease III; minus strand). Cytogenetic location: 14q32.13.
Variant type: single nucleotide variant.
Coding change: c.1718A>T on transcript NM_177438.3 (MANE Select); coding-DNA position 1718, A replaced by T.
Protein change: p.Glu573Val; replaces glutamic acid 573 with valine.
Molecular consequence: missense variant. On other transcripts: non-coding transcript variant (6).
Genome position (GRCh38, 1-based): chr14:95,116,487, T>A on the plus strand (A>T on the coding strand, the complement: DICER1 is on the minus strand). VCF-style: chr14-95116487-T-A. GRCh37 (hg19) VCF-style: chr14-95582824-T-A.
Other names: c.1718A>T, p.Glu573Val (NM_001195573.1, NM_001271282.3, NM_001291628.2 and 13 more transcripts); c.1436A>T, p.Glu479Val (NM_001395686.1); c.1313A>T, p.Glu438Val (NM_001395687.1, NM_001395688.1, NM_001395689.1 and 3 more transcripts); c.1151A>T, p.Glu384Val (NM_001395691.1); c.35A>T, p.Glu12Val (NM_001395697.1); short protein forms E438V, E479V, E573V, E12V, E384V.
Identifiers: ClinVar variation 1778661 (VCV001778661.2), dbSNP rs2543028386, ClinGen allele CA390884718.

ClinVar aggregate classification (germline): Uncertain significance (1 of 4 stars; one submission).

Conditions:
Hereditary cancer-predisposing syndrome. Also called: Neoplastic Syndromes, Hereditary; Tumor predisposition; Hereditary Cancer Syndrome; Hereditary neoplastic syndrome. Identifiers: Orphanet 140162, MedGen C0027672, MeSH D009386, MONDO:0015356.

Submission:

Ambry Genetics
Classification: Uncertain significance for Hereditary cancer-predisposing syndrome. Last evaluated: 2022-07-05. Review status: criteria provided, single submitter. Criteria: Ambry Variant Classification Scheme 2023. Collection method: clinical testing. Allele origin: germline.
Comment: The p.E573V variant (also known as c.1718A>T), located in coding exon 9 of the DICER1 gene, results from an A to T substitution at nucleotide position 1718. The glutamic acid at codon 573 is replaced by valine, an amino acid with dissimilar properties. This amino acid position is conserved. In addition, the in silico prediction for this alteration is inconclusive. Since supporting evidence is limited at this time, the clinical significance of this alteration remains unclear.